The following is an entry in ClinVar:

ClinVar aggregate classification (germline): Likely benign (1 of 4 stars; one submission).

Conditions:
LEPR-related disorder. Also called: LEPR-related condition; LEPR-related disorders.

Submission:

PreventionGenetics, part of Exact Sciences
Classification: Likely benign for LEPR-related condition. Last evaluated: 2026-03-20. Review status: criteria provided, single submitter. Criteria: ACMG Guidelines, 2015. Collection method: clinical testing. Allele origin: germline.
Comment: This variant is classified as likely benign based on ACMG/AMP sequence variant interpretation guidelines (Richards et al. 2015 PMID: 25741868, with internal and published modifications).

NM_002303.6(LEPR):c.2674-5781_2674-5780insTA

Gene: LEPR (leptin receptor; plus strand). Cytogenetic location: 1p31.3.
Variant type: Insertion.
Coding change: c.2674-5781_2674-5780insTA on transcript NM_002303.6 (MANE Select); 5781 bases into the intron before coding-DNA position 2674 through 5780 bases into the intron before coding-DNA position 2674, TA inserted.
Molecular consequence: intron variant. On other transcripts: 3 prime UTR variant (2).
Genome position: GRCh38 VCF-style: chr1-65630410-T-TTA. GRCh37 (hg19) VCF-style: chr1-66096093-T-TTA.
Other names: c.*5_*6insTA (NM_001003680.3, NM_001198687.2); c.2674-2742_2674-2741insTA (NM_001003679.3, NM_001198689.2).
Identifiers: ClinVar variation 4990355 (VCV004990355.1).